The following is an entry in ClinVar:

NC_000017.11:g.81811653_81811658del

Gene: GCGR (glucagon receptor; plus strand). Cytogenetic location: 17q25.3.
Variant type: Deletion.
Genome position: GRCh38 VCF-style: chr17-81811649-AGGCGGT-A. GRCh37 (hg19) VCF-style: chr17-79769525-AGGCGGT-A.
Identifiers: ClinVar variation 4721042 (VCV004721042.1).
Genomic context (GRCh38, chr17:81,811,649, plus strand): 5'-GTGGGTGGGTGGGCAGCCAGGCAGGTGGCCACGTAGCCGCGCTCACACTGCACCTGTACC[AGGCGGT>A]GGCTGGCTGCCGTGTGGCCGCGGTGTTCATGCAATATGGCATCGTGGCCAACTACTGCTG-3'

ClinVar aggregate classification (germline): Uncertain significance (1 of 4 stars; one submission).

Submission:

Labcorp Genetics (formerly Invitae), Labcorp
Classification: Uncertain significance. Last evaluated: 2025-06-09. Review status: criteria provided, single submitter. Criteria: Invitae Variant Classification Sherloc (09022015). Collection method: clinical testing. Allele origin: germline.
Comment: This variant, c.660_665del, results in the deletion of 2 amino acid(s) of the GCGR protein (p.Val221_Ala222del), but otherwise preserves the integrity of the reading frame. This variant is not present in population databases (gnomAD no frequency). This variant has not been reported in the literature in individuals affected with GCGR-related conditions. Algorithms developed to predict the effect of sequence changes on RNA splicing suggest that this variant may disrupt the consensus splice site. In summary, the available evidence is currently insufficient to determine the role of this variant in disease. Therefore, it has been classified as a Variant of Uncertain Significance.